The following is an entry in ClinVar:

ClinVar aggregate classification (germline): Conflicting classifications of pathogenicity. Review status: criteria provided, conflicting classifications (1 of 4 stars). 3 submissions from 3 submitters: Uncertain significance (2); Likely benign (1). Last evaluated 2023-08-31.

Conditions:
Hereditary cancer-predisposing syndrome. Also called: Neoplastic Syndromes, Hereditary; Tumor predisposition; Hereditary Cancer Syndrome; Hereditary neoplastic syndrome. Identifiers: Orphanet 140162, MedGen C0027672, MeSH D009386, MONDO:0015356.

Allele frequency attached by ClinVar (database versions not stated): gnomAD exomes below 0.00001; gnomAD 0.00001.
gnomAD v4.1: 3 of 1,605,330 alleles (0.00019%); highest among the groups gnomAD compares: East Asian, 0.0067%; no homozygotes.

Submissions (3):

GeneDx
Classification: Uncertain significance. Last evaluated: 2023-08-31. Review status: criteria provided, single submitter. Criteria: GeneDx Variant Classification Process June 2021. Collection method: clinical testing. Allele origin: germline. Affected: yes.
Comment: Not observed at significant frequency in large population cohorts (gnomAD); In silico analysis supports that this missense variant does not alter protein structure/function; Has not been previously published as pathogenic or benign to our knowledge; Also known as 4375G>A; This variant is associated with the following publications: (PMID: 29884841, 32377563, 18059333)

Ambry Genetics
Classification: Uncertain significance for Hereditary cancer-predisposing syndrome. Last evaluated: 2023-06-01. Review status: criteria provided, single submitter. Criteria: Ambry Variant Classification Scheme 2023. Collection method: clinical testing. Allele origin: germline.
Comment: The p.D1383N variant (also known as c.4147G>A), located in coding exon 10 of the BRCA2 gene, results from a G to A substitution at nucleotide position 4147. The aspartic acid at codon 1383 is replaced by asparagine, an amino acid with highly similar properties. This amino acid position is poorly conserved in available vertebrate species. In addition, this alteration is predicted to be tolerated by in silico analysis. Since supporting evidence is limited at this time, the clinical significance of this alteration remains unclear.

University of Washington Department of Laboratory Medicine, University of Washington
Classification: Likely benign for Hereditary cancer-predisposing syndrome. Last evaluated: 2023-03-23. Review status: criteria provided, single submitter. Criteria: Dines et al. (Genet Med. 2020). Collection method: curation. Allele origin: germline.
Comment: Missense variant in a coldspot region where missense variants are very unlikely to be pathogenic (PMID:31911673).

BRCA2 exon 11 coldspot. Reclassification based on statistical prior probability.

NM_000059.4(BRCA2):c.4147G>A (p.Asp1383Asn)

Gene: BRCA2 (BRCA2 DNA repair associated; plus strand). Cytogenetic location: 13q13.1.
Variant type: single nucleotide variant.
Coding change: c.4147G>A on transcript NM_000059.4 (MANE Select); coding-DNA position 4147, G replaced by A.
Protein change: p.Asp1383Asn; replaces aspartic acid 1383 with asparagine.
Molecular consequence: missense variant.
Genome position (GRCh38, 1-based): chr13:32,338,502, G>A. VCF-style: chr13-32338502-G-A. GRCh37 (hg19) VCF-style: chr13-32912639-G-A.
Other names: short protein forms D1383N.
Identifiers: ClinVar variation 142101 (VCV000142101.9), dbSNP rs587782234, ClinGen allele CA019617.